The following is an entry in ClinVar:

ClinVar aggregate classification (germline): Likely benign (0 of 4 stars; one submission).

Conditions:
BSN-related disorder. Also called: BSN-related condition.

Allele frequency attached by ClinVar (database versions not stated): TOPMed 0.00002; gnomAD 0.00007; 1000 Genomes Project 30x 0.00016; 1000 Genomes Project 0.00020; gnomAD exomes 0.00020; ExAC 0.00029.
gnomAD v4.1: 287 of 1,550,484 alleles (0.019%); highest among the groups gnomAD compares: South Asian, 0.34%; 1 homozygote.

Submission:

PreventionGenetics, part of Exact Sciences
Classification: Likely benign for BSN-related condition. Last evaluated: 2023-06-06. Review status: no assertion criteria provided. Collection method: clinical testing. Allele origin: germline.
Comment: This variant is classified as likely benign based on ACMG/AMP sequence variant interpretation guidelines (Richards et al. 2015 PMID: 25741868, with internal and published modifications).

NM_003458.4(BSN):c.3216C>T (p.Arg1072=)

Gene: BSN (bassoon presynaptic cytomatrix protein; plus strand). Cytogenetic location: 3p21.31.
Variant type: single nucleotide variant.
Coding change: c.3216C>T on transcript NM_003458.4 (MANE Select); coding-DNA position 3216, C replaced by T.
Protein change: p.Arg1072=; no amino-acid change (arginine 1072 retained).
Molecular consequence: synonymous variant.
Genome position (GRCh38, 1-based): chr3:49,652,772, C>T. VCF-style: chr3-49652772-C-T. GRCh37 (hg19) VCF-style: chr3-49690205-C-T.
Identifiers: ClinVar variation 3051898 (VCV003051898.2), dbSNP rs533634815, ClinGen allele CA2399919.
Genomic context (GRCh38, chr3:49,652,772, plus strand): 5'-GCTTCGTGAGCAAGAGAAGATGCGGGAGGTGGAGCAGCAGCGCATCCGCAGCACGGCCCG[C>T]AAGACCCGGCGGGACAAGGAAGAACTGCGGGCCCAGCGGAGGCGAGAGCGCTCCAAGACA-3'
Protein context (NP_003449.2, residues 1062-1082): VEQQRIRSTA[Arg1072=]KTRRDKEELR